The following is an entry in ClinVar:

ClinVar aggregate classification (germline): Uncertain significance. Review status: criteria provided, multiple submitters, no conflicts (2 of 4 stars). 6 submissions from 6 submitters: Uncertain significance (6). Last evaluated 2026-01-25.

Conditions:
Familial adenomatous polyposis 3. Also called: NTHL1-associated polyposis; NTHL1-related attenuated familial adenomatous polyposis; NTHL1-Related Adenomatous Polyposis and Colorectal Cancer; NTHL1 Tumor Syndrome. Identifiers: Orphanet 220460, Orphanet 454840, MedGen C4225157, MONDO:0014630, OMIM 616415.
Hereditary cancer-predisposing syndrome. Also called: Neoplastic Syndromes, Hereditary; Hereditary Cancer Syndrome; Tumor predisposition; Hereditary neoplastic syndrome. Identifiers: Orphanet 140162, MedGen C0027672, MeSH D009386, MONDO:0015356.
NTHL1-related disorder. Also called: NTHL1-related condition; NTHL1-related conditions.

Allele frequency attached by ClinVar (database versions not stated): gnomAD exomes below 0.00001; TOPMed below 0.00001.
gnomAD v4.1: 4 of 1,610,164 alleles (0.00025%); highest among the groups gnomAD compares: East Asian, 0.0022%; no homozygotes.

Submissions (6):

Labcorp Genetics (formerly Invitae), Labcorp
Classification: Uncertain significance. Last evaluated: 2026-01-25. Review status: criteria provided, single submitter. Criteria: Invitae Variant Classification Sherloc (09022015). Collection method: clinical testing. Allele origin: germline.
Comment: This sequence change replaces histidine, which is basic and polar, with arginine, which is basic and polar, at codon 223 of the NTHL1 protein (p.His223Arg). This variant is not present in population databases (gnomAD no frequency). This variant has not been reported in the literature in individuals affected with NTHL1-related conditions. ClinVar contains an entry for this variant (Variation ID: 855591). An algorithm developed to predict the effect of missense changes on protein structure and function (PolyPhen-2) suggests that this variant is likely to be tolerated. In summary, the available evidence is currently insufficient to determine the role of this variant in disease. Therefore, it has been classified as a Variant of Uncertain Significance.

PreventionGenetics, part of Exact Sciences
Classification: Uncertain significance for NTHL1-related condition. Last evaluated: 2025-11-25. Review status: criteria provided, single submitter. Criteria: ACMG Guidelines, 2015. Collection method: clinical testing. Allele origin: germline.
Comment: The NTHL1 c.668A>G variant is predicted to result in the amino acid substitution p.His223Arg. To our knowledge, this variant has not been reported in the literature or in a large population database (gnomAD), indicating this variant is rare. This variant is interpreted as uncertain in ClinVar (Variation ID: 855591). At this time, the clinical significance of this variant is uncertain due to the absence of conclusive functional and genetic evidence.

Ambry Genetics
Classification: Uncertain significance for Hereditary cancer-predisposing syndrome. Last evaluated: 2025-06-23. Review status: criteria provided, single submitter. Criteria: Ambry Variant Classification Scheme 2023. Collection method: clinical testing. Allele origin: germline.
Comment: The p.H223R variant (also known as c.668A>G), located in coding exon 4 of the NTHL1 gene, results from an A to G substitution at nucleotide position 668. The histidine at codon 223 is replaced by arginine, an amino acid with highly similar properties. This amino acid position is highly conserved in available vertebrate species. In addition, this alteration is predicted to be deleterious by in silico analysis. Since supporting evidence is limited at this time, the clinical significance of this alteration remains unclear.

Department of Pathology and Laboratory Medicine, Sinai Health System
Classification: Uncertain significance for Familial adenomatous polyposis 3. Last evaluated: 2024-06-06. Review status: criteria provided, single submitter. Criteria: ACMG Guidelines, 2015. Collection method: clinical testing. Allele origin: germline. Affected: no.

Baylor Genetics
Classification: Uncertain significance for Familial adenomatous polyposis 3. Last evaluated: 2023-08-06. Review status: criteria provided, single submitter. Criteria: ACMG Guidelines, 2015. Collection method: clinical testing. Allele origin: unknown.

GeneDx
Classification: Uncertain significance. Last evaluated: 2019-07-25. Review status: criteria provided, single submitter. Criteria: GeneDx Variant Classification Process June 2021. Collection method: clinical testing. Allele origin: germline. Affected: yes.
Comment: Not observed in large population cohorts (Lek et al., 2016); In silico analysis, which includes protein predictors and evolutionary conservation, supports a deleterious effect

NM_002528.7(NTHL1):c.644A>G (p.His215Arg)

Gene: NTHL1 (nth like DNA glycosylase 1; minus strand). Cytogenetic location: 16p13.3.
Variant type: single nucleotide variant.
Coding change: c.644A>G on transcript NM_002528.7 (MANE Select); coding-DNA position 644, A replaced by G.
Protein change: p.His215Arg; replaces histidine 215 with arginine.
Molecular consequence: missense variant.
Genome position (GRCh38, 1-based): chr16:2,043,608, T>C on the plus strand (A>G on the coding strand, the complement: NTHL1 is on the minus strand). VCF-style: chr16-2043608-T-C. GRCh37 (hg19) VCF-style: chr16-2093609-T-C.
Other names: c.473A>G, p.His158Arg (NM_001318193.2); c.314A>G, p.His105Arg (NM_001318194.2); short protein forms H105R, H215R, H158R.
Identifiers: ClinVar variation 855591 (VCV000855591.17), dbSNP rs2084298229, ClinGen allele CA394291182.